The following is an entry in ClinVar:

NM_001042492.3(NF1):c.4187_4193dup (p.Gln1399fs)

Gene: NF1 (neurofibromin 1; plus strand). Cytogenetic location: 17q11.2.
Variant type: Duplication.
Coding change: c.4187_4193dup on transcript NM_001042492.3 (MANE Select); coding-DNA positions 4187 to 4193, 7 bases duplicated (GTTTCCC; older notation c.4187_4193dupGTTTCCC).
Protein change: p.Gln1399fs; shifts the reading frame from glutamine 1399.
Molecular consequence: frameshift variant.
Genome position (GRCh38, 1-based): chr17:31,258,357-31,258,363, GTTTCCC duplicated; duplicating any 7 consecutive bases within chr17:31,258,356-31,258,363 gives the same sequence; the c. name uses the placement nearest the transcript's 3' end. VCF-style (leftmost placement, unchanged base first): chr17-31258355-G-GCGTTTCC. GRCh37 (hg19) VCF-style: chr17-29585373-G-GCGTTTCC.
Other names: c.4124_4130dup, p.Gln1378Phefs (NM_000267.4); short protein forms Q1378fs, Q1399fs.
Identifiers: ClinVar variation 1457483 (VCV001457483.6), dbSNP rs2151461796, ClinGen allele CA2573153577.

ClinVar aggregate classification (germline): Pathogenic (1 of 4 stars; one submission).

Conditions:
Neurofibromatosis, type 1 (NF1). Also called: Neurofibromatosis, type I; VON RECKLINGHAUSEN DISEASE; NEUROFIBROMATOSIS, TYPE I, SOMATIC; Peripheral type neurofibromatosis. Identifiers: Orphanet 636, MedGen C0027831, MONDO:0018975, OMIM 162200. Disease mechanism: loss of function.

Submission:

Labcorp Genetics (formerly Invitae), Labcorp
Classification: Pathogenic for Neurofibromatosis, type 1. Last evaluated: 2021-01-08. Review status: criteria provided, single submitter. Criteria: Invitae Variant Classification Sherloc (09022015). Collection method: clinical testing. Allele origin: germline.
Comment: This sequence change creates a premature translational stop signal (p.Gln1378Phefs*27) in the NF1 gene. It is expected to result in an absent or disrupted protein product. Loss-of-function variants in NF1 are known to be pathogenic (PMID: 10712197, 23913538). This variant is not present in population databases (ExAC no frequency). For these reasons, this variant has been classified as Pathogenic. This variant has not been reported in the literature in individuals with NF1-related conditions.

Literature cited by the submitters: PubMed 10712197; PubMed 23913538.